The following is an entry in ClinVar:

ClinVar aggregate classification (germline): Pathogenic (1 of 4 stars; one submission).

Conditions:
Congenital myotonia, autosomal recessive form. Also called: BECKER DISEASE; Becker Generalized Myotonia; myotonia congenita, autosomal recessive. Identifiers: Orphanet 614, MedGen C0751360, MONDO:0009715, OMIM 255700.
Congenital myotonia, autosomal dominant form (THD). Also called: THOMSEN DISEASE; Myotonia congenita autosomal dominant. Identifiers: Orphanet 614, MedGen C2936781, MONDO:0008055, OMIM 160800.

Submission:

Labcorp Genetics (formerly Invitae), Labcorp
Classification: Pathogenic for Congenital myotonia, autosomal recessive form; Congenital myotonia, autosomal dominant form. Last evaluated: 2022-11-01. Review status: criteria provided, single submitter. Criteria: Invitae Variant Classification Sherloc (09022015). Collection method: clinical testing. Allele origin: germline.
Comment: This sequence change creates a premature translational stop signal (p.Ser941Profs*42) in the CLCN1 gene. While this is not anticipated to result in nonsense mediated decay, it is expected to disrupt the last 48 amino acid(s) of the CLCN1 protein. This variant is not present in population databases (gnomAD no frequency). This variant has not been reported in the literature in individuals affected with CLCN1-related conditions. This variant disrupts a region of the CLCN1 protein in which other variant(s) (p.Gly945Argfs*39) have been determined to be pathogenic (PMID: 18337100; Invitae). This suggests that this is a clinically significant region of the protein, and that variants that disrupt it are likely to be disease-causing. For these reasons, this variant has been classified as Pathogenic.

Literature cited by the submitters: PubMed 18337100.

NM_000083.3(CLCN1):c.2821_2822del (p.Ser941fs)

Gene: CLCN1 (chloride voltage-gated channel 1; plus strand). Cytogenetic location: 7q34.
Variant type: Microsatellite.
Coding change: c.2821_2822del on transcript NM_000083.3 (MANE Select); coding-DNA positions 2821 to 2822, 2 bases deleted (TC; older notation c.2821_2822delTC).
Protein change: p.Ser941fs; shifts the reading frame from serine 941.
Molecular consequence: frameshift variant. On other transcripts: non-coding transcript variant (1).
Genome position (GRCh38, 1-based): chr7:143,351,819-143,351,820, TC deleted; deleting any 2 consecutive bases within chr7:143,351,814-143,351,820 gives the same sequence; the c. name uses the placement nearest the transcript's 3' end. VCF-style (leftmost placement, unchanged base first): chr7-143351813-CCT-C. GRCh37 (hg19) VCF-style: chr7-143048906-CCT-C.
Other names: short protein forms S941fs.
Identifiers: ClinVar variation 2044262 (VCV002044262.4), dbSNP rs1480966586, ClinGen allele CA834502209.